The following is an entry in ClinVar:

ClinVar aggregate classification (germline): Conflicting classifications of pathogenicity. Review status: criteria provided, conflicting classifications (1 of 4 stars). 5 submissions from 5 submitters: Uncertain significance (1); Benign (1); Likely benign (3). Last evaluated 2025-12-10.

Conditions:
SNRNP200-related disorder. Also called: SNRNP200-related condition.
Retinitis pigmentosa (RP). Identifiers: Orphanet 791, MedGen C0035334, MeSH D012174, MONDO:0019200, OMIM 268000. Inheritance: Autosomal dominant, autosomal recessive and X linked inheritance.

Allele frequency attached by ClinVar (database versions not stated): gnomAD exomes 0.00013 and 0.00031; gnomAD 0.00015 and 0.00016; TOPMed 0.00015; ESP Exome Variant Server 0.00023; ExAC 0.00024.
gnomAD v4.1: 238 of 1,614,114 alleles (0.015%); highest among the groups gnomAD compares: African/African-American, 0.0027%; 1 homozygote.

Submissions (5):

Labcorp Genetics (formerly Invitae), Labcorp
Classification: Benign. Last evaluated: 2025-12-10. Review status: criteria provided, single submitter. Criteria: Invitae Variant Classification Sherloc (09022015). Collection method: clinical testing. Allele origin: germline.

PreventionGenetics, part of Exact Sciences
Classification: Likely benign for SNRNP200-related condition. Last evaluated: 2025-03-07. Review status: criteria provided, single submitter. Criteria: ACMG Guidelines, 2015. Collection method: clinical testing. Allele origin: germline.
Comment: This variant is classified as likely benign based on ACMG/AMP sequence variant interpretation guidelines (Richards et al. 2015 PMID: 25741868, with internal and published modifications).

Blueprint Genetics
Classification: Likely benign. Last evaluated: 2024-11-22. Review status: criteria provided, single submitter. Criteria: ACMG Guidelines, 2015. Collection method: clinical testing. Allele origin: germline.

CeGaT Center for Human Genetics Tuebingen
Classification: Likely benign. Last evaluated: 2018-12-01. Review status: criteria provided, single submitter. Criteria: CeGaT Center For Human Genetics Tuebingen Variant Classification Criteria Version 2. Collection method: clinical testing. Allele origin: germline. Affected: yes. Observed: 1 variant allele.

Illumina Laboratory Services, Illumina
Classification: Uncertain significance for Retinitis pigmentosa. Last evaluated: 2018-01-13. Review status: criteria provided, single submitter. Criteria: ICSL Variant Classification Criteria 13 December 2019. Collection method: clinical testing. Allele origin: germline.

NM_014014.5(SNRNP200):c.5409C>T (p.Ser1803=)

Gene: SNRNP200 (small nuclear ribonucleoprotein U5 subunit 200; minus strand). Cytogenetic location: 2q11.2.
Variant type: single nucleotide variant.
Coding change: c.5409C>T on transcript NM_014014.5 (MANE Select); coding-DNA position 5409, C replaced by T.
Protein change: p.Ser1803=; no amino-acid change (serine 1803 retained).
Molecular consequence: synonymous variant.
Genome position (GRCh38, 1-based): chr2:96,278,626, G>A on the plus strand (C>T on the coding strand, the complement: SNRNP200 is on the minus strand). VCF-style: chr2-96278626-G-A. GRCh37 (hg19) VCF-style: chr2-96944364-G-A.
Identifiers: ClinVar variation 337534 (VCV000337534.56), dbSNP rs139137932, ClinGen allele CA1777981.
Genomic context (GRCh38, chr2:96,278,626, plus strand): 5'-GTAATAGTAGGCGGCGATCATGCCTAGGTTCAGAGGCGCCACGTCCATCTCGTCCTCGAT[G>A]CTGATGCACTTGGACTGCTCCAGGTCACTCAGGGTCTGCTCCACCAGCTCTGACAAGTGG-3'
Protein context (NP_054733.2, residues 1793-1813): LSDLEQSKCI[Ser1803=]IEDEMDVAPL